The following is an entry in ClinVar:

NM_000141.5(FGFR2):c.1531G>T (p.Ala511Ser)

Gene: FGFR2 (fibroblast growth factor receptor 2; minus strand). Cytogenetic location: 10q26.13.
Variant type: single nucleotide variant.
Coding change: c.1531G>T on transcript NM_000141.5 (MANE Select); coding-DNA position 1531, G replaced by T.
Protein change: p.Ala511Ser; replaces alanine 511 with serine.
Molecular consequence: missense variant. On other transcripts: non-coding transcript variant (1).
Genome position (GRCh38, 1-based): chr10:121,500,856, C>A on the plus strand (G>T on the coding strand, the complement: FGFR2 is on the minus strand). VCF-style: chr10-121500856-C-A. GRCh37 (hg19) VCF-style: chr10-123260370-C-A.
Other names: c.1534G>T, p.Ala512Ser (NM_001144913.1, NM_022970.4); c.1195G>T, p.Ala399Ser (NM_001144914.1); c.1264G>T, p.Ala422Ser (NM_001144915.2, NM_023029.3); c.1186G>T, p.Ala396Ser (NM_001144916.2); c.1183G>T, p.Ala395Ser (NM_001144917.2); c.1180G>T, p.Ala394Ser (NM_001144918.2); c.1267G>T, p.Ala423Ser (NM_001144919.2); c.847G>T, p.Ala283Ser (NM_001320654.2); and 1 more; short protein forms A394S, A399S, A509S, A511S, A395S, A422S, A423S, A512S.
Identifiers: ClinVar variation 3590844 (VCV003590844.2).

ClinVar aggregate classification (germline): Uncertain significance. Review status: criteria provided, multiple submitters, no conflicts (2 of 4 stars). 2 submissions from 2 submitters: Uncertain significance (2). Last evaluated 2025-07-20.

Conditions:
FGFR2-related craniosynostosis. Identifiers: MedGen CN231480.
Bent bone dysplasia syndrome 1 (BBDS1). Also called: FGFR2-related bent bone dysplasia. Identifiers: Orphanet 313855, MedGen C3281247, MONDO:0013815, OMIM 614592.
Beare-Stevenson cutis gyrata syndrome (BSTVS). Identifiers: Orphanet 1555, MedGen C1852406, MONDO:0007412, OMIM 123790.
Pfeiffer syndrome (ACS5). Also called: ACS V. Identifiers: Orphanet 710, MedGen C0220658, MONDO:0007043, OMIM 101600.
Gastric cancer. Also called: Stomach cancer; Malignant tumor of stomach. Identifiers: MedGen C0024623, MeSH D013274, MONDO:0001056, OMIM 613659, HP:0012126.
Familial scaphocephaly syndrome, McGillivray type. Also called: SCAPHOCEPHALY, MAXILLARY RETRUSION, AND IMPAIRED INTELLECTUAL DEVELOPMENT. Identifiers: Orphanet 168624, MedGen C1865070, MONDO:0012307, OMIM 609579.
Crouzon syndrome. Also called: CRANIOFACIAL DYSOSTOSIS, TYPE I; Craniofacial dysostosis; Craniofacial dysostosis type 1; Crouzon craniofacial dysostosis; Crouzon disease. Identifiers: Orphanet 207, MedGen C0010273, MeSH D003394, MONDO:0007405, OMIM 123500, HP:0004439.
LADD syndrome 1 (LADD1). Also called: Lacrimoauriculodentodigital syndrome 1. Identifiers: MedGen C5774323, MONDO:0100302, OMIM 149730.
Jackson-Weiss syndrome (JWS). Also called: CRANIOSYNOSTOSIS, MIDFACIAL HYPOPLASIA, AND FOOT ABNORMALITIES. Identifiers: Orphanet 1540, MedGen C0795998, MONDO:0007400, OMIM 123150. Disease mechanism: loss of function.
Antley-Bixler syndrome without genital anomalies or disordered steroidogenesis (ABS2). Also called: MULTISYNOSTOTIC OSTEODYSGENESIS WITH LONG BONE FRACTURES; Antley-Bixler Syndrome, Autosomal Dominant; Trapezoidocephaly synostosis syndrome; Osteodysgenesis, multisynostotic with fractures. Identifiers: Orphanet 596008, Orphanet 83, MedGen C2936791, MONDO:0020667, OMIM 207410.
Acrocephalosyndactyly type I (ACS1). Also called: Apert syndrome; Acrocephalo-syndactyly type 1; ACS 1; Syndactylic oxycephaly. Identifiers: Orphanet 87, MedGen C0001193, MONDO:0007041, OMIM 101200.
Saethre-Chotzen syndrome (SCS). Also called: ACROCEPHALY, SKULL ASYMMETRY, AND MILD SYNDACTYLY; ACS III; CHOTZEN SYNDROME. Identifiers: Orphanet 794, MedGen C0175699, MONDO:0007042, OMIM 101400.

gnomAD v4.1: 1 of 1,614,206 alleles (0.000062%); highest among the groups gnomAD compares: Non-Finnish European, 0.000085%; no homozygotes.

Submissions (2):

Labcorp Genetics (formerly Invitae), Labcorp
Classification: Uncertain significance for FGFR2-related craniosynostosis. Last evaluated: 2025-07-20. Review status: criteria provided, single submitter. Criteria: Invitae Variant Classification Sherloc (09022015). Collection method: clinical testing. Allele origin: germline.
Comment: This sequence change replaces alanine, which is neutral and non-polar, with serine, which is neutral and polar, at codon 511 of the FGFR2 protein (p.Ala511Ser). This variant is not present in population databases (gnomAD no frequency). This variant has not been reported in the literature in individuals affected with FGFR2-related conditions. ClinVar contains an entry for this variant (Variation ID: 3590844). Invitae Evidence Modeling of protein sequence and biophysical properties (such as structural, functional, and spatial information, amino acid conservation, physicochemical variation, residue mobility, and thermodynamic stability) indicates that this missense variant is not expected to disrupt FGFR2 protein function with a negative predictive value of 80%. In summary, the available evidence is currently insufficient to determine the role of this variant in disease. Therefore, it has been classified as a Variant of Uncertain Significance.

Fulgent Genetics
Classification: Uncertain significance for Acrocephalosyndactyly type I; Saethre-Chotzen syndrome; Pfeiffer syndrome; Jackson-Weiss syndrome; Crouzon syndrome; Beare-Stevenson cutis gyrata syndrome; LADD syndrome 1; Antley-Bixler syndrome without genital anomalies or disordered steroidogenesis; Familial scaphocephaly syndrome, McGillivray type; Gastric cancer; Bent bone dysplasia syndrome 1. Last evaluated: 2024-03-25. Review status: criteria provided, single submitter. Criteria: ACMG Guidelines, 2015. Collection method: clinical testing. Allele origin: germline.